The following is an entry in ClinVar:

NM_032043.3(BRIP1):c.2810A>T (p.Asp937Val)

Gene: BRIP1 (BRCA1 interacting DNA helicase 1; minus strand). Cytogenetic location: 17q23.2.
Variant type: single nucleotide variant.
Coding change: c.2810A>T on transcript NM_032043.3 (MANE Select); coding-DNA position 2810, A replaced by T.
Protein change: p.Asp937Val; replaces aspartic acid 937 with valine.
Molecular consequence: missense variant.
Genome position (GRCh38, 1-based): chr17:61,685,931, T>A on the plus strand (A>T on the coding strand, the complement: BRIP1 is on the minus strand). VCF-style: chr17-61685931-T-A. GRCh37 (hg19) VCF-style: chr17-59763292-T-A.
Other names: short protein forms D937V.
Identifiers: ClinVar variation 2564586 (VCV002564586.2), dbSNP rs2061354479, ClinGen allele CA400481484.

ClinVar aggregate classification (germline): Uncertain significance (1 of 4 stars; one submission).

Conditions:
Hereditary cancer-predisposing syndrome. Also called: Neoplastic Syndromes, Hereditary; Hereditary Cancer Syndrome; Hereditary neoplastic syndrome; Tumor predisposition. Identifiers: Orphanet 140162, MedGen C0027672, MeSH D009386, MONDO:0015356.

Submission:

Ambry Genetics
Classification: Uncertain significance for Hereditary cancer-predisposing syndrome. Last evaluated: 2023-04-07. Review status: criteria provided, single submitter. Criteria: Ambry Variant Classification Scheme 2023. Collection method: clinical testing. Allele origin: germline.
Comment: The p.D937V variant (also known as c.2810A>T), located in coding exon 18 of the BRIP1 gene, results from an A to T substitution at nucleotide position 2810. The aspartic acid at codon 937 is replaced by valine, an amino acid with highly dissimilar properties. This amino acid position is conserved. In addition, this alteration is predicted to be tolerated by in silico analysis. Since supporting evidence is limited at this time, the clinical significance of this alteration remains unclear.